The following is an entry in ClinVar:

NM_006088.6(TUBB4B):c.189C>G (p.Ala63=)

Gene: TUBB4B (tubulin beta 4B class IVb; plus strand). Cytogenetic location: 9q34.3.
Variant type: single nucleotide variant.
Coding change: c.189C>G on transcript NM_006088.6 (MANE Select); coding-DNA position 189, C replaced by G.
Protein change: p.Ala63=; no amino-acid change (alanine 63 retained).
Molecular consequence: synonymous variant.
Genome position (GRCh38, 1-based): chr9:137,241,933, C>G. VCF-style: chr9-137241933-C-G. GRCh37 (hg19) VCF-style: chr9-140136385-C-G.
Identifiers: ClinVar variation 741446 (VCV000741446.11), dbSNP rs749065414, ClinGen allele CA5365245.

ClinVar aggregate classification (germline): Likely benign. Review status: criteria provided, multiple submitters, no conflicts (2 of 4 stars). 3 submissions from 3 submitters: Likely benign (2). 1 of the submissions does not count toward it. Last evaluated 2024-10-23.

Conditions:
TUBB4B-related disorder. Also called: TUBB4B-related condition.

Allele frequency attached by ClinVar (database versions not stated): gnomAD exomes below 0.00001 and 0.00002; ExAC 0.00001; gnomAD 0.00001; TOPMed 0.00002.

Submissions (3):

Labcorp Genetics (formerly Invitae), Labcorp
Classification: Likely benign. Last evaluated: 2024-10-23. Review status: criteria provided, single submitter. Criteria: Invitae Variant Classification Sherloc (09022015). Collection method: clinical testing. Allele origin: germline.

Blueprint Genetics
Classification: Likely benign. Last evaluated: 2024-09-13. Review status: criteria provided, single submitter. Criteria: ACMG Guidelines, 2015. Collection method: clinical testing. Allele origin: germline.

PreventionGenetics, part of Exact Sciences
Classification: Likely benign for TUBB4B-related condition. Last evaluated: 2019-08-15. Review status: no assertion criteria provided. Collection method: clinical testing. Allele origin: germline. Not counted in ClinVar's aggregate classification.
Comment: This variant is classified as likely benign based on ACMG/AMP sequence variant interpretation guidelines (Richards et al. 2015 PMID: 25741868, with internal and published modifications).